The following is an entry in ClinVar:

NM_001367721.1(CASK):c.616G>A (p.Gly206Ser)

Gene: CASK (calcium/calmodulin dependent serine protein kinase; minus strand). Cytogenetic location: Xp11.4.
Variant type: single nucleotide variant.
Coding change: c.616G>A on transcript NM_001367721.1 (MANE Select); coding-DNA position 616, G replaced by A.
Protein change: p.Gly206Ser; replaces glycine 206 with serine.
Molecular consequence: missense variant.
Genome position (GRCh38, 1-based): chrX:41,665,369, C>T on the plus strand (G>A on the coding strand, the complement: CASK is on the minus strand). VCF-style: chrX-41665369-C-T. GRCh37 (hg19) VCF-style: chrX-41524622-C-T.
Other names: c.616G>A, p.Gly206Ser (NM_001126054.3, NM_001126055.3, NM_001410745.1 and 1 more transcripts); short protein forms G206S.
Identifiers: ClinVar variation 976147 (VCV000976147.13), dbSNP rs2067099763, ClinGen allele CA412998108.

ClinVar aggregate classification (germline): Conflicting classifications of pathogenicity. Review status: criteria provided, conflicting classifications (1 of 4 stars). 6 submissions from 6 submitters: Likely pathogenic (3); Uncertain significance (3). Last evaluated 2024-11-22.

Conditions:
Intellectual disability, CASK-related, X-linked. Identifiers: MedGen CN043158.
Syndromic X-linked intellectual disability Najm type (MICPCH). Also called: Mental retardation and microcephaly with pontine and cerebellar hypoplasia; MENTAL RETARDATION, X-LINKED, SYNDROMIC, NAJM TYPE; Intellectual Disability and Microcephaly with Pontine and Cerebellar Hypoplasia; Intellectual Disability and Microcephaly with Pontine and Cerebellar Hypoplasia (MICPCH); MICPCH SYNDROME; Intellectual developmental disorder and microcephaly with pontine and cerebellar hypoplasia. Identifiers: Orphanet 163937, MedGen C2677903, MONDO:0010417, OMIM 300749.
FG syndrome 4 (FGS4). Identifiers: MedGen C1845546, MONDO:0010318, OMIM 300422.
Intellectual disability. Also called: intellectual disabilities; Intellectual developmental disorder; Intellectual functioning disability. Identifiers: MedGen C3714756, MeSH D008607, MONDO:0001071, HP:0001249.

Submissions (6):

Labcorp Genetics (formerly Invitae), Labcorp
Classification: Likely pathogenic for Intellectual disability, CASK-related, X-linked. Last evaluated: 2024-11-22. Review status: criteria provided, single submitter. Criteria: Invitae Variant Classification Sherloc (09022015). Collection method: clinical testing. Allele origin: germline.
Comment: This sequence change replaces glycine, which is neutral and non-polar, with serine, which is neutral and polar, at codon 206 of the CASK protein (p.Gly206Ser). This variant is not present in population databases (gnomAD no frequency). This missense change has been observed in individual(s) with CASK-related conditions (Internal data). In at least one individual the variant was observed to be de novo. ClinVar contains an entry for this variant (Variation ID: 976147). Invitae Evidence Modeling of protein sequence and biophysical properties (such as structural, functional, and spatial information, amino acid conservation, physicochemical variation, residue mobility, and thermodynamic stability) indicates that this missense variant is not expected to disrupt CASK protein function with a negative predictive value of 80%. In summary, the currently available evidence indicates that the variant is pathogenic, but additional data are needed to prove that conclusively. Therefore, this variant has been classified as Likely Pathogenic.

Institute of Human Genetics, Clinical Exome/Genome Diagnostics Group, University Hospital Bonn
Classification: Uncertain significance for Syndromic X-linked intellectual disability Najm type. Last evaluated: 2024-10-10. Review status: criteria provided, single submitter. Criteria: ACMG Guidelines, 2015. Collection method: clinical testing. Allele origin: maternal. Affected: yes.

GeneDx
Classification: Uncertain significance. Last evaluated: 2023-05-03. Review status: criteria provided, single submitter. Criteria: GeneDx Variant Classification Process June 2021. Collection method: clinical testing. Allele origin: germline. Affected: yes.
Comment: Not observed at significant frequency in large population cohorts (gnomAD); In silico analysis supports that this missense variant has a deleterious effect on protein structure/function; Has not been previously published as pathogenic or benign to our knowledge

Laboratory of Medical Genetics, University of Torino
Classification: Likely pathogenic for FG syndrome 4. Last evaluated: 2022-11-29. Review status: criteria provided, single submitter. Criteria: ACMG Guidelines, 2015. Collection method: research. Allele origin: germline. Affected: yes. Study: NeuroWES.

Diagnostic Laboratory, Strasbourg University Hospital
Classification: Likely pathogenic for Intellectual disability. Last evaluated: 2020-09-10. Review status: criteria provided, single submitter. Criteria: ACMG Guidelines, 2015. Collection method: clinical testing. Allele origin: maternal. Affected: yes. Observed: 1 hemizygote.

Institute of Human Genetics, University of Leipzig Medical Center
Classification: Uncertain significance for Syndromic X-linked intellectual disability Najm type. Last evaluated: 2019-09-13. Review status: criteria provided, single submitter. Criteria: ACMG Guidelines, 2015. Collection method: clinical testing. Allele origin: germline. Affected: yes. Observed: 1 variant allele.